The following is an entry in ClinVar:

ClinVar aggregate classification (germline): Uncertain significance (1 of 4 stars; one submission).

Conditions:
Epilepsy, X-linked 1, with variable learning disabilities and behavior disorders. Also called: X-linked epilepsy-learning disabilities-behavior disorders syndrome. Identifiers: Orphanet 85294, MedGen C5774177, MONDO:0010339, OMIM 300491.

Allele frequency attached by ClinVar (database versions not stated): gnomAD exomes below 0.00001 and 0.00001.
gnomAD v4.1: 2 of 1,211,076 alleles (0.00017%); no homozygotes.

Submission:

Labcorp Genetics (formerly Invitae), Labcorp
Classification: Uncertain significance for Epilepsy, X-linked 1, with variable learning disabilities and behavior disorders. Last evaluated: 2025-05-27. Review status: criteria provided, single submitter. Criteria: Invitae Variant Classification Sherloc (09022015). Collection method: clinical testing. Allele origin: germline.
Comment: This sequence change replaces glycine, which is neutral and non-polar, with arginine, which is basic and polar, at codon 196 of the SYN1 protein (p.Gly196Arg). The frequency data for this variant in the population databases is considered unreliable, as metrics indicate poor data quality at this position in the gnomAD database. This variant has not been reported in the literature in individuals affected with SYN1-related conditions. ClinVar contains an entry for this variant (Variation ID: 1364362). An algorithm developed to predict the effect of missense changes on protein structure and function (PolyPhen-2) suggests that this variant is likely to be disruptive. In summary, the available evidence is currently insufficient to determine the role of this variant in disease. Therefore, it has been classified as a Variant of Uncertain Significance.

NM_006950.3(SYN1):c.586G>A (p.Gly196Arg)

Gene: SYN1 (synapsin I; minus strand). Cytogenetic location: Xp11.23.
Variant type: single nucleotide variant.
Coding change: c.586G>A on transcript NM_006950.3 (MANE Select); coding-DNA position 586, G replaced by A.
Protein change: p.Gly196Arg; replaces glycine 196 with arginine.
Molecular consequence: missense variant.
Genome position (GRCh38, 1-based): chrX:47,605,321, C>T on the plus strand (G>A on the coding strand, the complement: SYN1 is on the minus strand). VCF-style: chrX-47605321-C-T. GRCh37 (hg19) VCF-style: chrX-47464720-C-T.
Other names: c.586G>A, p.Gly196Arg (NM_133499.2); short protein forms G196R.
Identifiers: ClinVar variation 1364362 (VCV001364362.8), dbSNP rs1207640513, ClinGen allele CA412824953.